The following is an entry in ClinVar:

ClinVar aggregate classification (germline): Likely benign (1 of 4 stars; one submission).

gnomAD v4.1: 31 of 1,566,316 alleles (0.002%); highest among the groups gnomAD compares: Non-Finnish European, 0.0024%; no homozygotes.

Submission:

CeGaT Center for Human Genetics Tuebingen
Classification: Likely benign. Last evaluated: 2022-07-01. Review status: criteria provided, single submitter. Criteria: CeGaT Center For Human Genetics Tuebingen Variant Classification Criteria Version 2. Collection method: clinical testing. Allele origin: germline. Affected: yes. Observed: 1 variant allele.
Comment: PIANP: BP4, BP7

NM_001244014.2(PIANP):c.744C>T (p.Pro248=)

Gene: PIANP (PILR alpha associated neural protein; minus strand). Cytogenetic location: 12p13.31.
Variant type: single nucleotide variant.
Coding change: c.744C>T on transcript NM_001244014.2 (MANE Select); coding-DNA position 744, C replaced by T.
Protein change: p.Pro248=; no amino-acid change (proline 248 retained).
Molecular consequence: synonymous variant.
Genome position (GRCh38, 1-based): chr12:6,695,513, G>A on the plus strand (C>T on the coding strand, the complement: PIANP is on the minus strand). VCF-style: chr12-6695513-G-A. GRCh37 (hg19) VCF-style: chr12-6804679-G-A.
Other names: c.744C>T, p.Pro248= (NM_001244015.2, NM_153685.4).
Identifiers: ClinVar variation 2642634 (VCV002642634.24), dbSNP rs549191146, ClinGen allele CA6414222.